The following is an entry in ClinVar:

NM_000038.6(APC):c.202T>A (p.Leu68Ile)

Gene: APC (APC regulator of Wnt signaling pathway; plus strand). Cytogenetic location: 5q22.2.
Variant type: single nucleotide variant.
Coding change: c.202T>A on transcript NM_000038.6 (MANE Select); coding-DNA position 202, T replaced by A.
Protein change: p.Leu68Ile; replaces leucine 68 with isoleucine.
Molecular consequence: missense variant. On other transcripts: 5 prime UTR variant (1).
Genome position (GRCh38, 1-based): chr5:112,766,392, T>A. VCF-style: chr5-112766392-T-A. GRCh37 (hg19) VCF-style: chr5-112102089-T-A.
Other names: c.202T>A, p.Leu68Ile (NM_001127510.3, NM_001354895.2, NM_001354896.2 and 2 more transcripts); c.232T>A, p.Leu78Ile (NM_001127511.3, NM_001354897.2, NM_001354902.2); c.127T>A, p.Leu43Ile (NM_001354898.2, NM_001354904.2); c.25T>A, p.Leu9Ile (NM_001354900.2, NM_001354901.2, NM_001354905.2); c.-834T>A (NM_001354906.2); short protein forms L78I, L9I, L68I, L43I.
Identifiers: ClinVar variation 951912 (VCV000951912.15), dbSNP rs1756332227, ClinGen allele CA16021784.

ClinVar aggregate classification (germline): Uncertain significance. Review status: criteria provided, multiple submitters, no conflicts (2 of 4 stars). 3 submissions from 3 submitters: Uncertain significance (2). 1 of the submissions does not count toward it. Last evaluated 2025-01-18.

Conditions:
Hereditary cancer-predisposing syndrome. Also called: Tumor predisposition; Hereditary neoplastic syndrome; Neoplastic Syndromes, Hereditary; Hereditary Cancer Syndrome. Identifiers: Orphanet 140162, MedGen C0027672, MeSH D009386, MONDO:0015356.
Familial adenomatous polyposis 1 (FAP1). Also called: POLYPOSIS, ADENOMATOUS INTESTINAL; FAMILIAL ADENOMATOUS POLYPOSIS 1, ATTENUATED. Identifiers: MedGen C2713442, MONDO:0021056, OMIM 175100. Disease mechanism: loss of function.
APC-related disorder. Also called: APC-related condition.

Submissions (3):

Ambry Genetics
Classification: Uncertain significance for Hereditary cancer-predisposing syndrome. Last evaluated: 2025-01-18. Review status: criteria provided, single submitter. Criteria: Ambry Variant Classification Scheme 2023. Collection method: clinical testing. Allele origin: germline.
Comment: The p.L68I variant (also known as c.202T>A), located in coding exon 2 of the APC gene, results from a T to A substitution at nucleotide position 202. The leucine at codon 68 is replaced by isoleucine, an amino acid with highly similar properties. This amino acid position is highly conserved in available vertebrate species. In addition, in silico predictors for this gene do not accurately predict pathogenicity. Missense alterations in APC are not a common cause of disease (Spier I et al. Genet Med. 2024 Feb;26(2):100992). Based on the available evidence, the clinical significance of this variant remains unclear.

Labcorp Genetics (formerly Invitae), Labcorp
Classification: Uncertain significance for Familial adenomatous polyposis 1. Last evaluated: 2023-08-27. Review status: criteria provided, single submitter. Criteria: Invitae Variant Classification Sherloc (09022015). Collection method: clinical testing. Allele origin: germline.
Comment: This sequence change replaces leucine, which is neutral and non-polar, with isoleucine, which is neutral and non-polar, at codon 68 of the APC protein (p.Leu68Ile). This variant is not present in population databases (gnomAD no frequency). In summary, the available evidence is currently insufficient to determine the role of this variant in disease. Therefore, it has been classified as a Variant of Uncertain Significance. Advanced modeling of protein sequence and biophysical properties (such as structural, functional, and spatial information, amino acid conservation, physicochemical variation, residue mobility, and thermodynamic stability) performed at Invitae indicates that this missense variant is not expected to disrupt APC protein function. ClinVar contains an entry for this variant (Variation ID: 951912). This variant has not been reported in the literature in individuals affected with APC-related conditions.

PreventionGenetics, part of Exact Sciences
Classification: Uncertain significance for APC-related condition. Last evaluated: 2024-05-29. Review status: no assertion criteria provided. Collection method: clinical testing. Allele origin: germline. Not counted in ClinVar's aggregate classification.
Comment: The APC c.202T>A variant is predicted to result in the amino acid substitution p.Leu68Ile. To our knowledge, this variant has not been reported in the literature or in a large population database, indicating this variant is rare. In ClinVar, this variant is interpreted as uncertain. At this time, the clinical significance of this variant is uncertain due to the absence of conclusive functional and genetic evidence.